The following is an entry in ClinVar:

ClinVar aggregate classification (germline): Uncertain significance (1 of 4 stars; one submission).

gnomAD v4.1: 4 of 1,614,022 alleles (0.00025%); highest among the groups gnomAD compares: South Asian, 0.0022%; no homozygotes.

Submission:

Labcorp Genetics (formerly Invitae), Labcorp
Classification: Uncertain significance. Last evaluated: 2024-09-10. Review status: criteria provided, single submitter. Criteria: Invitae Variant Classification Sherloc (09022015). Collection method: clinical testing. Allele origin: germline.
Comment: This sequence change replaces serine, which is neutral and polar, with phenylalanine, which is neutral and non-polar, at codon 109 of the TNFAIP3 protein (p.Ser109Phe). This variant is present in population databases (rs767282565, gnomAD 0.003%). This variant has not been reported in the literature in individuals affected with TNFAIP3-related conditions. Invitae Evidence Modeling of protein sequence and biophysical properties (such as structural, functional, and spatial information, amino acid conservation, physicochemical variation, residue mobility, and thermodynamic stability) has been performed for this missense variant. However, the output from this modeling did not meet the statistical confidence thresholds required to predict the impact of this variant on TNFAIP3 protein function. In summary, the available evidence is currently insufficient to determine the role of this variant in disease. Therefore, it has been classified as a Variant of Uncertain Significance.

NM_001270508.2(TNFAIP3):c.326C>T (p.Ser109Phe)

Gene: TNFAIP3 (TNF alpha induced protein 3; plus strand). Cytogenetic location: 6q23.3.
Variant type: single nucleotide variant.
Coding change: c.326C>T on transcript NM_001270508.2 (MANE Select); coding-DNA position 326, C replaced by T.
Protein change: p.Ser109Phe; replaces serine 109 with phenylalanine.
Molecular consequence: missense variant.
Genome position (GRCh38, 1-based): chr6:137,874,875, C>T. VCF-style: chr6-137874875-C-T. GRCh37 (hg19) VCF-style: chr6-138196012-C-T.
Other names: c.326C>T, p.Ser109Phe (NM_001270507.2, NM_006290.4); short protein forms S109F.
Identifiers: ClinVar variation 3604739 (VCV003604739.2).